The following is an entry in ClinVar:

NM_006946.4(SPTBN2):c.5980C>T (p.Arg1994Trp)

Gene: SPTBN2 (spectrin beta, non-erythrocytic 2; minus strand). Cytogenetic location: 11q13.2.
Variant type: single nucleotide variant.
Coding change: c.5980C>T on transcript NM_006946.4 (MANE Select); coding-DNA position 5980, C replaced by T.
Protein change: p.Arg1994Trp; replaces arginine 1994 with tryptophan.
Molecular consequence: missense variant.
Genome position (GRCh38, 1-based): chr11:66,689,150, G>A on the plus strand (C>T on the coding strand, the complement: SPTBN2 is on the minus strand). VCF-style: chr11-66689150-G-A. GRCh37 (hg19) VCF-style: chr11-66456621-G-A.
Other names: short protein forms R1994W.
Identifiers: ClinVar variation 1662298 (VCV001662298.13), dbSNP rs140000699, ClinGen allele CA6128080.

ClinVar aggregate classification (germline): Conflicting classifications of pathogenicity. Review status: criteria provided, conflicting classifications (1 of 4 stars). 4 submissions from 4 submitters: Uncertain significance (1); Likely benign (2). 1 of the submissions does not count toward it. Last evaluated 2025-11-10.

Conditions:
Inborn genetic diseases. Identifiers: MedGen C0950123, MeSH D030342.
SPTBN2-related disorder. Also called: SPTBN2-related condition.

Allele frequency attached by ClinVar (database versions not stated): gnomAD exomes 0.00020 and 0.00032; ExAC 0.00051; gnomAD 0.00121 and 0.00127; ESP Exome Variant Server 0.00123; 1000 Genomes Project 30x 0.00125; TOPMed 0.00136; 1000 Genomes Project 0.00140.
gnomAD v4.1: 480 of 1,609,648 alleles (0.03%); highest among the groups gnomAD compares: African/African-American, 0.4%; no homozygotes.

Submissions (4):

Labcorp Genetics (formerly Invitae), Labcorp
Classification: Likely benign. Last evaluated: 2025-11-10. Review status: criteria provided, single submitter. Criteria: Invitae Variant Classification Sherloc (09022015). Collection method: clinical testing. Allele origin: germline.

GeneDx
Classification: Uncertain significance. Last evaluated: 2023-05-02. Review status: criteria provided, single submitter. Criteria: GeneDx Variant Classification Process June 2021. Collection method: clinical testing. Allele origin: germline. Affected: yes.
Comment: In silico analysis supports that this missense variant has a deleterious effect on protein structure/function; Has not been previously published as pathogenic or benign to our knowledge

Ambry Genetics
Classification: Likely benign for Inborn genetic diseases. Last evaluated: 2021-09-27. Review status: criteria provided, single submitter. Criteria: Ambry Variant Classification Scheme 2023. Collection method: clinical testing. Allele origin: germline.

PreventionGenetics, part of Exact Sciences
Classification: Likely benign for SPTBN2-related condition. Last evaluated: 2024-06-26. Review status: no assertion criteria provided. Collection method: clinical testing. Allele origin: germline. Not counted in ClinVar's aggregate classification.
Comment: This variant is classified as likely benign based on ACMG/AMP sequence variant interpretation guidelines (Richards et al. 2015 PMID: 25741868, with internal and published modifications).